The following is an entry in ClinVar:

ClinVar aggregate classification (germline): Pathogenic. Review status: criteria provided, multiple submitters, no conflicts (2 of 4 stars). 3 submissions from 3 submitters: Pathogenic (3). Last evaluated 2024-01-22.

Conditions:
Hereditary cancer-predisposing syndrome. Also called: Tumor predisposition; Hereditary Cancer Syndrome; Neoplastic Syndromes, Hereditary; Hereditary neoplastic syndrome. Identifiers: Orphanet 140162, MedGen C0027672, MeSH D009386, MONDO:0015356.
DICER1-related tumor predisposition. Also called: DICER1 syndrome; DICER1-related pleuropulmonary blastoma cancer predisposition syndrome. Identifiers: Orphanet 284343, MedGen C3839822, MONDO:0100216.

Submissions (3):

Ambry Genetics
Classification: Pathogenic for Hereditary cancer-predisposing syndrome. Last evaluated: 2024-01-22. Review status: criteria provided, single submitter. Criteria: Ambry Variant Classification Scheme 2023. Collection method: clinical testing. Allele origin: germline.
Comment: The c.3300delA pathogenic mutation, located in coding exon 20 of the DICER1 gene, results from a deletion of one nucleotide at nucleotide position 3300, causing a translational frameshift with a predicted alternate stop codon (p.K1100Nfs*44). This variant was reported in an individual with features consistent with DICER1-related tumor predisposition syndrome (Khan NE et al. Pediatr Nephrol, 2018 Dec;33:2281-2288). This variant is considered to be rare based on population cohorts in the Genome Aggregation Database (gnomAD). In addition to the clinical data presented in the literature, this alteration is expected to result in loss of function by premature protein truncation or nonsense-mediated mRNA decay. As such, this alteration is interpreted as a disease-causing mutation.

Foulkes Cancer Genetics LDI, Lady Davis Institute for Medical Research
Classification: Pathogenic for Pleuropulmonary blastoma. Last evaluated: 2019-07-01. Review status: criteria provided, single submitter. Criteria: ACMG Guidelines, 2015. Collection method: curation. Allele origin: germline. Affected: yes. Observed: 2 variant alleles.
Comment: ACMG criteria met: PVS1, PM2, PP4

International Pleuropulmonary Blastoma Registry, Children's Hospitals and Clinics of Minnesota
Classification: Pathogenic for Pleuropulmonary blastoma. Last evaluated: 2014-11-10. Review status: criteria provided, single submitter. Criteria: Hill et al. (Science. 2009). Collection method: clinical testing. Allele origin: germline. Affected: yes. Study: PPB-DICER1 Genetic study.

Literature cited by the submitters: PubMed 30178239 (cited by Ambry Genetics and Foulkes Cancer Genetics LDI, Lady Davis Institute for Medical Research); PubMed 26925222 (cited by Foulkes Cancer Genetics LDI, Lady Davis Institute for Medical Research and International Pleuropulmonary Blastoma Registry, Children's Hospitals and Clinics of Minnesota).

NM_177438.3(DICER1):c.3300del (p.Lys1100fs)

Gene: DICER1 (dicer 1, ribonuclease III; minus strand). Cytogenetic location: 14q32.13.
Variant type: Deletion.
Coding change: c.3300del on transcript NM_177438.3 (MANE Select); coding-DNA position 3300, one base deleted (A; older notation c.3300delA).
Protein change: p.Lys1100fs; shifts the reading frame from lysine 1100.
Molecular consequence: frameshift variant.
Genome position (GRCh38, 1-based): chr14:95,104,096, T deleted on the plus strand (A on the coding strand, the reverse complement: DICER1 is on the minus strand); the first of 6 consecutive T bases (chr14:95,104,096-95,104,101); deleting any one gives the same sequence. VCF-style (leftmost placement, unchanged base first): chr14-95104095-AT-A. GRCh37 (hg19) VCF-style: chr14-95570432-AT-A.
Other names: c.3300delA (NM_177438.2); c.3300del, p.Lys1100fs (NM_001195573.1, NM_001271282.3, NM_001291628.2 and 1 more transcripts); short protein forms K1100fs.
Identifiers: ClinVar variation 254319 (VCV000254319.7), dbSNP rs886037700, ClinGen allele CA10586431.